The following is an entry in ClinVar:

NM_001267550.2(TTN):c.102233A>G (p.Glu34078Gly)

Genes: TTN-AS1 (TTN antisense RNA 1; plus strand), TTN (titin; minus strand). Cytogenetic location: 2q31.2.
Variant type: single nucleotide variant.
Coding change: c.102233A>G on transcript NM_001267550.2 (MANE Select); coding-DNA position 102233, A replaced by G.
Protein change: p.Glu34078Gly; replaces glutamic acid 34078 with glycine.
Molecular consequence: missense variant.
Genome position (GRCh38, 1-based): chr2:178,534,382, T>C on the plus strand (A>G on the coding strand, the complement: TTN is on the minus strand). VCF-style: chr2-178534382-T-C. GRCh37 (hg19) VCF-style: chr2-179399109-T-C.
Other names: c.97310A>G, p.Glu32437Gly (NM_001256850.1); c.75038A>G, p.Glu25013Gly (NM_003319.4); c.94529A>G, p.Glu31510Gly (NM_133378.4); c.75413A>G, p.Glu25138Gly (NM_133432.3); c.75614A>G, p.Glu25205Gly (NM_133437.4); short protein forms E25013G, E25138G, E25205G, E31510G, E32437G, E34078G.
Identifiers: ClinVar variation 3751689 (VCV003751689.2).

ClinVar aggregate classification (germline): Uncertain significance (1 of 4 stars; one submission).

Conditions:
Autosomal recessive limb-girdle muscular dystrophy type 2J (LGMDR10). Also called: Limb-girdle muscular dystrophy, type 2J; MUSCULAR DYSTROPHY, LIMB-GIRDLE, AUTOSOMAL RECESSIVE 10. Identifiers: Orphanet 140922, MedGen C1837342, MONDO:0012127, OMIM 608807.
Dilated cardiomyopathy 1G (CMD1G). Identifiers: Orphanet 154, MedGen C1858763, MONDO:0011400, OMIM 604145.

Submission:

Labcorp Genetics (formerly Invitae), Labcorp
Classification: Uncertain significance for Dilated cardiomyopathy 1G; Autosomal recessive limb-girdle muscular dystrophy type 2J. Last evaluated: 2025-02-27. Review status: criteria provided, single submitter. Criteria: Invitae Variant Classification Sherloc (09022015). Collection method: clinical testing. Allele origin: germline.
Comment: This sequence change replaces glutamic acid, which is acidic and polar, with glycine, which is neutral and non-polar, at codon 34078 of the TTN protein (p.Glu34078Gly). This variant is not present in population databases (gnomAD no frequency). This variant has not been reported in the literature in individuals affected with TTN-related conditions. Experimental studies and prediction algorithms are not available or were not evaluated, and the functional significance of this variant is currently unknown. This variant is located in the M band of TTN (PMID: 25589632). Non-truncating variants in this region may be relevant for neuromuscular disorders, but have not been definitively shown to cause cardiomyopathy (PMID: 23975875). In summary, the available evidence is currently insufficient to determine the role of this variant in disease. Therefore, it has been classified as a Variant of Uncertain Significance.

Literature cited by the submitters: PubMed 25589632; PubMed 23975875.